The following is an entry in ClinVar:

NM_012414.4(RAB3GAP2):c.84G>A (p.Glu28=)

Gene: RAB3GAP2 (RAB3 GTPase activating non-catalytic protein subunit 2; minus strand). Cytogenetic location: 1q41.
Variant type: single nucleotide variant.
Coding change: c.84G>A on transcript NM_012414.4 (MANE Select); coding-DNA position 84, G replaced by A.
Protein change: p.Glu28=; no amino-acid change (glutamic acid 28 retained).
Molecular consequence: synonymous variant.
Genome position (GRCh38, 1-based): chr1:220,272,254, C>T on the plus strand (G>A on the coding strand, the complement: RAB3GAP2 is on the minus strand). VCF-style: chr1-220272254-C-T. GRCh37 (hg19) VCF-style: chr1-220445596-C-T.
Identifiers: ClinVar variation 3390225 (VCV003390225.14).

ClinVar aggregate classification (germline): Likely benign (1 of 4 stars; one submission).

Submission:

CeGaT Center for Human Genetics Tuebingen
Classification: Likely benign. Last evaluated: 2024-11-01. Review status: criteria provided, single submitter. Criteria: CeGaT Center For Human Genetics Tuebingen Variant Classification Criteria Version 2. Collection method: clinical testing. Allele origin: germline. Affected: yes. Observed: 1 variant allele.
Comment: RAB3GAP2: PM2:Supporting, BP4, BP7